The following is an entry in ClinVar:

ClinVar aggregate classification (germline): Conflicting classifications of pathogenicity. Review status: criteria provided, conflicting classifications (1 of 4 stars). 2 submissions from 2 submitters: Uncertain significance (1); Likely benign (1). Last evaluated 2026-03-24.

Conditions:
Familial thoracic aortic aneurysm and aortic dissection (TAAD). Also called: Thoracic aortic aneurysms and dissections. Identifiers: Orphanet 91387, MedGen C4707243, MONDO:0019625.
Congenital contractural arachnodactyly (CCA). Also called: BEALS SYNDROME; Beals-Hecht syndrome; Arthrogryposis, distal, type 9. Identifiers: Orphanet 115, MedGen C0220668, MONDO:0007363, OMIM 121050.

Allele frequency attached by ClinVar (database versions not stated): TOPMed below 0.00001; ExAC 0.00001; gnomAD 0.00001; gnomAD exomes 0.00001.
gnomAD v4.1: 17 of 1,613,870 alleles (0.0011%); highest among the groups gnomAD compares: Admixed American, 0.005%; no homozygotes.

Submissions (2):

Ambry Genetics
Classification: Likely benign for Familial thoracic aortic aneurysm and aortic dissection. Last evaluated: 2026-03-24. Review status: criteria provided, single submitter. Criteria: Ambry Variant Classification Scheme 2023. Collection method: clinical testing. Allele origin: germline.

Labcorp Genetics (formerly Invitae), Labcorp
Classification: Uncertain significance for Congenital contractural arachnodactyly. Last evaluated: 2026-01-25. Review status: criteria provided, single submitter. Criteria: Invitae Variant Classification Sherloc (09022015). Collection method: clinical testing. Allele origin: germline.
Comment: This sequence change replaces aspartic acid, which is acidic and polar, with asparagine, which is neutral and polar, at codon 2841 of the FBN2 protein (p.Asp2841Asn). This variant is present in population databases (rs779172018, gnomAD 0.003%). This variant has not been reported in the literature in individuals affected with FBN2-related conditions. ClinVar contains an entry for this variant (Variation ID: 2907070). Invitae Evidence Modeling of protein sequence and biophysical properties (such as structural, functional, and spatial information, amino acid conservation, physicochemical variation, residue mobility, and thermodynamic stability) indicates that this missense variant is not expected to disrupt FBN2 protein function with a negative predictive value of 80%. In summary, the available evidence is currently insufficient to determine the role of this variant in disease. Therefore, it has been classified as a Variant of Uncertain Significance.

NM_001999.4(FBN2):c.8521G>A (p.Asp2841Asn)

Gene: FBN2 (fibrillin 2; minus strand). Cytogenetic location: 5q23.3.
Variant type: single nucleotide variant.
Coding change: c.8521G>A on transcript NM_001999.4 (MANE Select); coding-DNA position 8521, G replaced by A.
Protein change: p.Asp2841Asn; replaces aspartic acid 2841 with asparagine.
Molecular consequence: missense variant.
Genome position (GRCh38, 1-based): chr5:128,259,673, C>T on the plus strand (G>A on the coding strand, the complement: FBN2 is on the minus strand). VCF-style: chr5-128259673-C-T. GRCh37 (hg19) VCF-style: chr5-127595365-C-T.
Other names: c.8521G>A (NM_001999.3); short protein forms D2841N.
Identifiers: ClinVar variation 2907070 (VCV002907070.4), dbSNP rs779172018, ClinGen allele CA3393793.
Genomic context (GRCh38, chr5:128,259,673, plus strand): 5'-TCTTGGCCGTGTGCAAGTAGCTGAGCCCATTCCTTTGGTGGATGCGGAAGACGCTGTCAT[C>T]GTTCCCTTGAGAGATGACATAACGGATGTGGTTGTTGAGGGGCTGGATGGCGGGCCTTAG-3'
Protein context (NP_001990.2, residues 2831-2851): HIRYVISQGN[Asp2841Asn]DSVFRIHQRN